The following is an entry in ClinVar:

NM_004793.4(LONP1):c.1026G>T (p.Glu342Asp)

Gene: LONP1 (lon peptidase 1, mitochondrial; minus strand). Cytogenetic location: 19p13.3.
Variant type: single nucleotide variant.
Coding change: c.1026G>T on transcript NM_004793.4 (MANE Select); coding-DNA position 1026, G replaced by T.
Protein change: p.Glu342Asp; replaces glutamic acid 342 with aspartic acid.
Molecular consequence: missense variant. On other transcripts: non-coding transcript variant (1).
Genome position (GRCh38, 1-based): chr19:5,707,733, C>A on the plus strand (G>T on the coding strand, the complement: LONP1 is on the minus strand). VCF-style: chr19-5707733-C-A. GRCh37 (hg19) VCF-style: chr19-5707744-C-A.
Other names: c.834G>T, p.Glu278Asp (NM_001276479.2); c.438G>T, p.Glu146Asp (NM_001276480.1); short protein forms E278D, E342D, E146D.
Identifiers: ClinVar variation 1925798 (VCV001925798.5), dbSNP rs780754614, ClinGen allele CA9114870.

ClinVar aggregate classification (germline): Uncertain significance (1 of 4 stars; one submission).

Allele frequency attached by ClinVar (database versions not stated): ExAC 0.00001; gnomAD 0.00001; TOPMed 0.00001.
gnomAD v4.1: 2 of 1,613,202 alleles (0.00012%); highest among the groups gnomAD compares: Admixed American, 0.0017%; no homozygotes.

Submission:

Labcorp Genetics (formerly Invitae), Labcorp
Classification: Uncertain significance. Last evaluated: 2022-07-11. Review status: criteria provided, single submitter. Criteria: Invitae Variant Classification Sherloc (09022015). Collection method: clinical testing. Allele origin: germline.
Comment: In summary, the available evidence is currently insufficient to determine the role of this variant in disease. Therefore, it has been classified as a Variant of Uncertain Significance. Algorithms developed to predict the effect of missense changes on protein structure and function are either unavailable or do not agree on the potential impact of this missense change (SIFT: "Deleterious"; PolyPhen-2: "Benign"; Align-GVGD: "Class C0"). This variant has not been reported in the literature in individuals affected with LONP1-related conditions. This variant is present in population databases (rs780754614, gnomAD 0.003%). This sequence change replaces glutamic acid, which is acidic and polar, with aspartic acid, which is acidic and polar, at codon 342 of the LONP1 protein (p.Glu342Asp).